The following is an entry in ClinVar:

NM_001673.5(ASNS):c.1622G>A (p.Trp541Ter)

Genes: ASNS (asparagine synthetase (glutamine-hydrolyzing); minus strand), CZ1P-ASNS (CZ1P-ASNS readthrough; minus strand). Cytogenetic location: 7q21.3.
Variant type: single nucleotide variant.
Coding change: c.1622G>A on transcript NM_001673.5 (MANE Select); coding-DNA position 1622, G replaced by A.
Protein change: p.Trp541Ter; replaces tryptophan 541 with a stop codon.
Molecular consequence: nonsense. On other transcripts: non-coding transcript variant (1).
Genome position (GRCh38, 1-based): chr7:97,852,323, C>T on the plus strand (G>A on the coding strand, the complement: ASNS is on the minus strand). VCF-style: chr7-97852323-C-T. GRCh37 (hg19) VCF-style: chr7-97481635-C-T.
Other names: c.1559G>A, p.Trp520Ter (NM_001178075.2); c.1373G>A, p.Trp458Ter (NM_001178076.2, NM_001178077.1); c.1622G>A, p.Trp541Ter (NM_001352496.2, NM_133436.3, NM_183356.4); short protein forms W458*, W520*, W541*.
Identifiers: ClinVar variation 3729837 (VCV003729837.2).

ClinVar aggregate classification (germline): Pathogenic (1 of 4 stars; one submission).

Submission:

Labcorp Genetics (formerly Invitae), Labcorp
Classification: Pathogenic. Last evaluated: 2025-02-03. Review status: criteria provided, single submitter. Criteria: Invitae Variant Classification Sherloc (09022015). Collection method: clinical testing. Allele origin: germline.
Comment: This sequence change creates a premature translational stop signal (p.Trp541*) in the ASNS gene. While this is not anticipated to result in nonsense mediated decay, it is expected to disrupt the last 21 amino acid(s) of the ASNS protein. This variant is not present in population databases (gnomAD no frequency). This variant has not been reported in the literature in individuals affected with ASNS-related conditions. This variant disrupts a region of the ASNS protein in which other variant(s) (p.Arg550Cys) have been determined to be pathogenic (PMID: 24139043, 27522229). This suggests that this is a clinically significant region of the protein, and that variants that disrupt it are likely to be disease-causing. For these reasons, this variant has been classified as Pathogenic.

Literature cited by the submitters: PubMed 24139043; PubMed 27522229.